The following is an entry in ClinVar:

ClinVar aggregate classification (germline): Pathogenic (1 of 4 stars; one submission).

Conditions:
Dyskeratosis congenita, autosomal recessive 5 (DKCB5). Identifiers: MedGen C3554656, MONDO:0014076, OMIM 615190.
Pulmonary fibrosis and/or bone marrow failure, Telomere-related, 3. Also called: PULMONARY FIBROSIS AND/OR BONE MARROW FAILURE SYNDROME, TELOMERE-RELATED, 3. Identifiers: Orphanet 2032, MedGen C4225346, MONDO:0014613, OMIM 616373.

Submission:

Labcorp Genetics (formerly Invitae), Labcorp
Classification: Pathogenic for Dyskeratosis congenita, autosomal recessive 5; Pulmonary fibrosis and/or bone marrow failure, Telomere-related, 3. Last evaluated: 2025-07-08. Review status: criteria provided, single submitter. Criteria: Invitae Variant Classification Sherloc (09022015). Collection method: clinical testing. Allele origin: germline.
Comment: This sequence change creates a premature translational stop signal (p.Arg700Glyfs*100) in the RTEL1 gene. It is expected to result in an absent or disrupted protein product. Loss-of-function variants in RTEL1 are known to be pathogenic (PMID: 23453664, 23959892, 25607374). This variant is not present in population databases (gnomAD no frequency). This variant has not been reported in the literature in individuals affected with RTEL1-related conditions. ClinVar contains an entry for this variant (Variation ID: 1069734). For these reasons, this variant has been classified as Pathogenic.

Literature cited by the submitters: PubMed 23453664; PubMed 23959892; PubMed 25607374.

NM_001283009.2(RTEL1):c.2098del (p.Arg700fs)

Genes: RTEL1 (regulator of telomere elongation helicase 1; plus strand), RTEL1-TNFRSF6B (RTEL1-TNFRSF6B readthrough (NMD candidate); plus strand). Cytogenetic location: 20q13.33.
Variant type: Deletion.
Coding change: c.2098del on transcript NM_001283009.2 (MANE Select); coding-DNA position 2098, one base deleted (C; older notation c.2098delC).
Protein change: p.Arg700fs; shifts the reading frame from arginine 700.
Molecular consequence: frameshift variant. On other transcripts: non-coding transcript variant (1).
Genome position (GRCh38, 1-based): chr20:63,689,822, C deleted; the last of 2 consecutive C bases (chr20:63,689,821-63,689,822); deleting either gives the same sequence. VCF-style (leftmost placement, unchanged base first): chr20-63689820-TC-T. GRCh37 (hg19) VCF-style: chr20-62321173-TC-T.
Other names: c.1429del, p.Arg477fs (NM_001283010.1); c.2098del, p.Arg700fs (NM_016434.4); c.2170del, p.Arg724fs (NM_032957.5); short protein forms R477fs, R700fs, R724fs.
Identifiers: ClinVar variation 1069734 (VCV001069734.7), dbSNP rs2090684427, ClinGen allele CA2374930812.